The following is an entry in ClinVar:

ClinVar aggregate classification (germline): Conflicting classifications of pathogenicity. Review status: criteria provided, conflicting classifications (1 of 4 stars). 2 submissions from 2 submitters: Uncertain significance (1); Likely benign (1). Last evaluated 2023-03-23.

Conditions:
Hereditary cancer-predisposing syndrome. Also called: Neoplastic Syndromes, Hereditary; Tumor predisposition; Hereditary Cancer Syndrome; Hereditary neoplastic syndrome. Identifiers: Orphanet 140162, MedGen C0027672, MeSH D009386, MONDO:0015356.

Submissions (2):

University of Washington Department of Laboratory Medicine, University of Washington
Classification: Likely benign for Hereditary cancer-predisposing syndrome. Last evaluated: 2023-03-23. Review status: criteria provided, single submitter. Criteria: Dines et al. (Genet Med. 2020). Collection method: curation. Allele origin: germline.
Comment: Missense variant in a coldspot region where missense variants are very unlikely to be pathogenic (PMID:31911673).

BRCA2 exon 11 coldspot. Reclassification based on statistical prior probability.

Ambry Genetics
Classification: Uncertain significance for Hereditary cancer-predisposing syndrome. Last evaluated: 2022-08-29. Review status: criteria provided, single submitter. Criteria: Ambry Variant Classification Scheme 2023. Collection method: clinical testing. Allele origin: germline.
Comment: The p.S1115F variant (also known as c.3344C>T), located in coding exon 10 of the BRCA2 gene, results from a C to T substitution at nucleotide position 3344. The serine at codon 1115 is replaced by phenylalanine, an amino acid with highly dissimilar properties. This amino acid position is highly conserved in available vertebrate species. In addition, the in silico prediction for this alteration is inconclusive. Since supporting evidence is limited at this time, the clinical significance of this alteration remains unclear.

NM_000059.4(BRCA2):c.3344C>T (p.Ser1115Phe)

Gene: BRCA2 (BRCA2 DNA repair associated; plus strand). Cytogenetic location: 13q13.1.
Variant type: single nucleotide variant.
Coding change: c.3344C>T on transcript NM_000059.4 (MANE Select); coding-DNA position 3344, C replaced by T.
Protein change: p.Ser1115Phe; replaces serine 1115 with phenylalanine.
Molecular consequence: missense variant.
Genome position (GRCh38, 1-based): chr13:32,337,699, C>T. VCF-style: chr13-32337699-C-T. GRCh37 (hg19) VCF-style: chr13-32911836-C-T.
Other names: c.3344C>T, p.Ser1115Phe (NM_001406719.1, NM_001406720.1); short protein forms S1115F.
Identifiers: ClinVar variation 1730444 (VCV001730444.4), dbSNP rs879255448, ClinGen allele CA247504849.